The following is an entry in ClinVar:

ClinVar aggregate classification (germline): Uncertain significance (1 of 4 stars; one submission).

Conditions:
Developmental and epileptic encephalopathy, 36 (DEE36). Also called: Epileptic encephalopathy, early infantile, 36; Congenital disorder of glycosylation, type Is; ALG13-CDG. Identifiers: Orphanet 324422, MedGen C4317295, MONDO:0010472, OMIM 300884.

gnomAD v4.1: 6 of 1,204,235 alleles (0.0005%); highest among the groups gnomAD compares: Non-Finnish European, 0.00067%; no homozygotes.

Submission:

Labcorp Genetics (formerly Invitae), Labcorp
Classification: Uncertain significance for Developmental and epileptic encephalopathy, 36. Last evaluated: 2022-09-23. Review status: criteria provided, single submitter. Criteria: Invitae Variant Classification Sherloc (09022015). Collection method: clinical testing. Allele origin: germline.
Comment: This sequence change replaces serine, which is neutral and polar, with asparagine, which is neutral and polar, at codon 343 of the ALG13 protein (p.Ser343Asn). The frequency data for this variant in the population databases is considered unreliable, as metrics indicate poor data quality at this position in the gnomAD database. This variant has not been reported in the literature in individuals affected with ALG13-related conditions. Advanced modeling of protein sequence and biophysical properties (such as structural, functional, and spatial information, amino acid conservation, physicochemical variation, residue mobility, and thermodynamic stability) performed at Invitae indicates that this missense variant is not expected to disrupt ALG13 protein function. In summary, the available evidence is currently insufficient to determine the role of this variant in disease. Therefore, it has been classified as a Variant of Uncertain Significance.

NM_001099922.3(ALG13):c.1028G>A (p.Ser343Asn)

Gene: ALG13 (ALG13 UDP-N-acetylglucosaminyltransferase subunit; plus strand). Cytogenetic location: Xq23.
Variant type: single nucleotide variant.
Coding change: c.1028G>A on transcript NM_001099922.3 (MANE Select); coding-DNA position 1028, G replaced by A.
Protein change: p.Ser343Asn; replaces serine 343 with asparagine.
Molecular consequence: missense variant. On other transcripts: non-coding transcript variant (1).
Genome position (GRCh38, 1-based): chrX:111,717,868, G>A. VCF-style: chrX-111717868-G-A. GRCh37 (hg19) VCF-style: chrX-110961096-G-A.
Other names: c.716G>A, p.Ser239Asn (NM_001257230.2, NM_001257234.2, NM_001257237.2 and 1 more transcripts); c.794G>A, p.Ser265Asn (NM_001257231.2); c.1028G>A, p.Ser343Asn (NM_001324292.2); short protein forms S239N, S343N, S265N.
Identifiers: ClinVar variation 2195724 (VCV002195724.1), dbSNP rs1175080801, ClinGen allele CA414250682.